The following is an entry in ClinVar:

NM_003742.4(ABCB11):c.1435-10T>C

Gene: ABCB11 (ATP binding cassette subfamily B member 11; minus strand). Cytogenetic location: 2q31.1.
Variant type: single nucleotide variant.
Coding change: c.1435-10T>C on transcript NM_003742.4 (MANE Select); 10 bases into the intron before coding-DNA position 1435, T replaced by C.
Molecular consequence: intron variant.
Genome position (GRCh38, 1-based): chr2:168,972,060, A>G on the plus strand (T>C on the coding strand, the complement: ABCB11 is on the minus strand). VCF-style: chr2-168972060-A-G. GRCh37 (hg19) VCF-style: chr2-169828570-A-G.
Identifiers: ClinVar variation 4994340 (VCV004994340.1).

ClinVar aggregate classification (germline): Likely benign (1 of 4 stars; one submission).

Conditions:
ABCB11-related disorder. Also called: ABCB11-related condition.

Submission:

PreventionGenetics, part of Exact Sciences
Classification: Likely benign for ABCB11-related condition. Last evaluated: 2026-05-29. Review status: criteria provided, single submitter. Criteria: ACMG Guidelines, 2015. Collection method: clinical testing. Allele origin: germline.
Comment: This variant is classified as likely benign based on ACMG/AMP sequence variant interpretation guidelines (Richards et al. 2015 PMID: 25741868, with internal and published modifications).